The following is an entry in ClinVar:

ClinVar aggregate classification (germline): Conflicting classifications of pathogenicity. Review status: criteria provided, conflicting classifications (1 of 4 stars). 3 submissions from 3 submitters: Pathogenic (1); Likely pathogenic (1); Uncertain significance (1). Last evaluated 2026-04-14.

Conditions:
ABCB4-related disorder. Also called: ABCB4-related disorders; ABCB4-related condition.
Familial intrahepatic cholestasis. Identifiers: Orphanet 284385, MedGen CN296401, MONDO:0017290.

Allele frequency attached by ClinVar (database versions not stated): gnomAD exomes below 0.00001; ExAC 0.00001; gnomAD 0.00001; TOPMed 0.00002; ESP Exome Variant Server 0.00008.

Submissions (3):

Genomenon, Inc
Classification: Pathogenic for Familial intrahepatic cholestasis. Last evaluated: 2026-04-14. Review status: criteria provided, single submitter. Criteria: Genomenon Sequence Variant Interpretation Standards - Updated. Collection method: curation. Allele origin: germline. Affected: yes.
Comment: ABCB4 p.Met1? (c.1A>G) is a variant that disrupts the initiation codon leading to an altered or absent protein product. This variant has been observed in at least one proband with an ABCB4-related disorder (PMID:25210756). It is absent or not present at a significant frequency in gnomAD. In conclusion, we classify ABCB4 p.Met1? (c.1A>G) as a pathogenic variant.

PreventionGenetics, part of Exact Sciences
Classification: Uncertain significance for ABCB4-related condition. Last evaluated: 2025-05-02. Review status: criteria provided, single submitter. Criteria: ACMG Guidelines, 2015. Collection method: clinical testing. Allele origin: germline.
Comment: The ABCB4 c.1A>G variant is predicted to disrupt the translation initiation site (Start loss). This variant has been reported in the heterozygous state in an individual with Cushing's disease secondary to a pituitary adenoma who also presented with cholestatic hepatitis (Choudhary et al. 2014. PubMed ID: 25210756). This variant is reported in 0.0062% of alleles in individuals of African descent in gnomAD. At this time, the clinical significance of this variant is uncertain due to the absence of conclusive functional and genetic evidence.

GeneDx
Classification: Likely pathogenic. Last evaluated: 2023-05-30. Review status: criteria provided, single submitter. Criteria: GeneDx Variant Classification Process June 2021. Collection method: clinical testing. Allele origin: germline. Affected: yes.
Comment: Identified in the herterozygous state in a patient with Cushings disease secondary to a pituitary adenoma, cholestatic hepatitis, and cholelithiasis; upon resection of the pituitary adenoma, the hepatic biochemical abnormalities gradually improved.(Choudhary et al., 2014); Initiation codon variant in a gene for which loss of function is a known mechanism of disease; Not observed at significant frequency in large population cohorts (gnomAD); This variant is associated with the following publications: (PMID: 25210756)

Literature cited by the submitters: PubMed 25210756 (cited by Genomenon, Inc).

NM_000443.4(ABCB4):c.1A>G (p.Met1Val)

Genes: ABCB4 (ATP binding cassette subfamily B member 4; minus strand), LOC129998756 (ATAC-STARR-seq lymphoblastoid silent region 18347; plus strand). Cytogenetic location: 7q21.12.
Variant type: single nucleotide variant.
Coding change: c.1A>G on transcript NM_000443.4 (MANE Select); coding-DNA position 1, A replaced by G.
Protein change: p.Met1Val; changes the start codon (methionine 1).
Molecular consequence: missense variant, initiator codon variant.
Genome position (GRCh38, 1-based): chr7:87,475,465, T>C on the plus strand (A>G on the coding strand, the complement: ABCB4 is on the minus strand). VCF-style: chr7-87475465-T-C. GRCh37 (hg19) VCF-style: chr7-87104781-T-C.
Other names: c.1A>G, p.Met1Val (NM_018849.3, NM_018850.3); short protein forms M1V.
Identifiers: ClinVar variation 3253044 (VCV003253044.3), dbSNP rs374204436.